The following is an entry in ClinVar:

ClinVar aggregate classification (germline): Uncertain significance. Review status: criteria provided, multiple submitters, no conflicts (2 of 4 stars). 3 submissions from 3 submitters: Uncertain significance (3). Last evaluated 2025-07-19.

Conditions:
Hereditary cancer-predisposing syndrome. Also called: Hereditary Cancer Syndrome; Neoplastic Syndromes, Hereditary; Hereditary neoplastic syndrome; Tumor predisposition. Identifiers: Orphanet 140162, MedGen C0027672, MeSH D009386, MONDO:0015356.
POLD1-related polyposis and colorectal cancer syndrome (CRCS10). Also called: COLORECTAL CANCER, SUSCEPTIBILITY TO, ON CHROMOSOME 19q; Colorectal cancer 10; Colorectal cancer, susceptibility to, 10. Identifiers: Orphanet 220460, MedGen C2675481, MONDO:0012953, OMIM 612591.

Submissions (3):

Labcorp Genetics (formerly Invitae), Labcorp
Classification: Uncertain significance for POLD1-related polyposis and colorectal cancer syndrome. Last evaluated: 2025-07-19. Review status: criteria provided, single submitter. Criteria: Invitae Variant Classification Sherloc (09022015). Collection method: clinical testing. Allele origin: germline.
Comment: This sequence change creates a premature translational stop signal (p.Leu943Alafs*11) in the POLD1 gene. Missense variants that disrupt the 3'-5' exonuclease (proof-reading) activity of the POLD1 protein are associated with PPAP (polymerase proofreading–associated polyposis) (PMID: 23263490, 23447401). However, loss-of-function variants that result in an absent or severely disrupted POLD1 protein, and missense variants outside the exonuclease domain, are unlikely to be associated with PPAP. This variant is not present in population databases (gnomAD no frequency). This variant has not been reported in the literature in individuals affected with POLD1-related conditions. ClinVar contains an entry for this variant (Variation ID: 239312). In summary, the available evidence is currently insufficient to determine the role of this variant in disease. Therefore, it has been classified as a Variant of Uncertain Significance.

Ambry Genetics
Classification: Uncertain significance for Hereditary cancer-predisposing syndrome. Last evaluated: 2025-02-05. Review status: criteria provided, single submitter. Criteria: Ambry Variant Classification Scheme 2023. Collection method: clinical testing. Allele origin: germline.
Comment: The c.2825dupC variant, located in coding exon 22 of the POLD1 gene, results from a duplication of C at nucleotide position 2825, causing a translational frameshift with a predicted alternate stop codon (p.L943Afs*11). This alteration is expected to result in protein truncation or nonsense-mediated mRNA decay. However, loss of function of POLD1 has not been established as a mechanism of disease. Based on the available evidence, the clinical significance of this alteration remains unclear.

GeneDx
Classification: Uncertain significance. Last evaluated: 2018-04-04. Review status: criteria provided, single submitter. Criteria: GeneDx Variant Classification (06012015). Collection method: clinical testing. Allele origin: germline. Affected: yes.
Comment: This duplication of one nucleotide in POLD1 is denoted c.2825dupC at the cDNA level and p.Leu943AlafsX11 (L943AfsX11) at the protein level. The normal sequence, with the base that is duplicated in brackets, is GACC[dupC]GCTG. The duplication causes a frameshift which changes a Leucine to an Alanine at codon 943, and creates a premature stop codon at position 11 of the new reading frame. Although this variant has not, to our knowledge, been reported in the literature, it is predicted to cause loss of normal protein function through either protein truncation or nonsense-mediated mRNA decay. However, while some missense variants in POLD1 have been recognized as an underlying cause of Polymerase Proofreading-Associated Polyposis (PPAP), there are no data at this time to support that loss-of-function variants confer the same cancer risks. We therefore consider this variant to be of uncertain significance with respect to cancer.

Literature cited by the submitters: PubMed 23263490 (cited by Labcorp Genetics (formerly Invitae), Labcorp); PubMed 23447401 (cited by Labcorp Genetics (formerly Invitae), Labcorp).

NM_002691.4(POLD1):c.2825dup (p.Leu943fs)

Gene: POLD1 (DNA polymerase delta 1, catalytic subunit; plus strand). Cytogenetic location: 19q13.33.
Variant type: Duplication.
Coding change: c.2825dup on transcript NM_002691.4 (MANE Select); coding-DNA position 2825, one base duplicated (C; older notation c.2825dupC).
Protein change: p.Leu943fs; shifts the reading frame from leucine 943.
Molecular consequence: frameshift variant. On other transcripts: non-coding transcript variant (1).
Genome position (GRCh38, 1-based): chr19:50,416,400, C duplicated; the last of 3 consecutive C bases (chr19:50,416,398-50,416,400); duplicating any one gives the same sequence. VCF-style (leftmost placement, unchanged base first): chr19-50416397-A-AC. GRCh37 (hg19) VCF-style: chr19-50919654-A-AC.
Other names: c.2825dup, p.Leu943fs (NM_001256849.1); c.2903dup, p.Leu969fs (NM_001308632.1); c.2825dupC (NM_002691.2); short protein forms L943fs, L969fs.
Identifiers: ClinVar variation 239312 (VCV000239312.9), dbSNP rs878854542, ClinGen allele CA10583851.